The following is an entry in ClinVar:

NM_002439.5(MSH3):c.3160A>T (p.Thr1054Ser)

Gene: MSH3 (mutS homolog 3; plus strand). Cytogenetic location: 5q14.1.
Variant type: single nucleotide variant.
Coding change: c.3160A>T on transcript NM_002439.5 (MANE Select); coding-DNA position 3160, A replaced by T.
Protein change: p.Thr1054Ser; replaces threonine 1054 with serine.
Molecular consequence: missense variant.
Genome position (GRCh38, 1-based): chr5:80,873,145, A>T. VCF-style: chr5-80873145-A-T. GRCh37 (hg19) VCF-style: chr5-80168964-A-T.
Other names: short protein forms T1054S.
Identifiers: ClinVar variation 1042195 (VCV001042195.9), dbSNP rs1805131, ClinGen allele CA360346845.
Genomic context (GRCh38, chr5:80,873,145, plus strand): 5'-ACAGTTTTGATCTCCTTTCTTTATTTCACAGGCGCAGCAGAACAAGTCCCTGATTTTGTC[A>T]CCTTCCTTTACCAAATAACTAGAGGAATTGCAGCAAGGAGTTATGGATTAAATGTGGCTA-3'
Protein context (NP_002430.3, residues 1044-1064): GAAEQVPDFV[Thr1054Ser]FLYQITRGIA

ClinVar aggregate classification (germline): Uncertain significance. Review status: criteria provided, multiple submitters, no conflicts (2 of 4 stars). 2 submissions from 2 submitters: Uncertain significance (2). Last evaluated 2024-04-10.

Conditions:
Hereditary cancer-predisposing syndrome. Also called: Hereditary Cancer Syndrome; Tumor predisposition; Hereditary neoplastic syndrome; Neoplastic Syndromes, Hereditary. Identifiers: Orphanet 140162, MedGen C0027672, MeSH D009386, MONDO:0015356.

Submissions (2):

Labcorp Genetics (formerly Invitae), Labcorp
Classification: Uncertain significance. Last evaluated: 2024-04-10. Review status: criteria provided, single submitter. Criteria: Invitae Variant Classification Sherloc (09022015). Collection method: clinical testing. Allele origin: germline.
Comment: This sequence change replaces threonine, which is neutral and polar, with serine, which is neutral and polar, at codon 1054 of the MSH3 protein (p.Thr1054Ser). This variant is not present in population databases (gnomAD no frequency). This variant has not been reported in the literature in individuals affected with MSH3-related conditions. ClinVar contains an entry for this variant (Variation ID: 1042195). An algorithm developed to predict the effect of missense changes on protein structure and function (PolyPhen-2) suggests that this variant is likely to be disruptive. In summary, the available evidence is currently insufficient to determine the role of this variant in disease. Therefore, it has been classified as a Variant of Uncertain Significance.

Ambry Genetics
Classification: Uncertain significance for Hereditary cancer-predisposing syndrome. Last evaluated: 2022-08-11. Review status: criteria provided, single submitter. Criteria: Ambry Variant Classification Scheme 2023. Collection method: clinical testing. Allele origin: germline.
Comment: The p.T1054S variant (also known as c.3160A>T), located in coding exon 23 of the MSH3 gene, results from an A to T substitution at nucleotide position 3160. The threonine at codon 1054 is replaced by serine, an amino acid with similar properties. This amino acid position is conserved. In addition, the in silico prediction for this alteration is inconclusive. Since supporting evidence is limited at this time, the clinical significance of this alteration remains unclear.